The following is an entry in ClinVar:

NM_001128205.2(SULF1):c.1816G>C (p.Val606Leu)

Gene: SULF1 (sulfatase 1; plus strand). Cytogenetic location: 8q13.3.
Variant type: single nucleotide variant.
Coding change: c.1816G>C on transcript NM_001128205.2 (MANE Select); coding-DNA position 1816, G replaced by C.
Protein change: p.Val606Leu; replaces valine 606 with leucine.
Molecular consequence: missense variant. On other transcripts: non-coding transcript variant (3).
Genome position (GRCh38, 1-based): chr8:69,624,163, G>C. VCF-style: chr8-69624163-G-C. GRCh37 (hg19) VCF-style: chr8-70536398-G-C.
Other names: c.1816G>C (NM_001128205.1); c.1816G>C, p.Val606Leu (NM_001128204.2, NM_001128206.2, NM_001412828.1 and 10 more transcripts); c.1687G>C, p.Val563Leu (NM_001412832.1, NM_001412838.1, NM_001412839.1 and 1 more transcripts); c.1759G>C, p.Val587Leu (NM_001412836.1, NM_001412837.1); c.1630G>C, p.Val544Leu (NM_001412841.1, NM_001412842.1); c.1216G>C, p.Val406Leu (NM_001412844.1, NM_001412845.1); c.25G>C, p.Val9Leu (NM_001412846.1); short protein forms V406L, V563L, V544L, V587L, V606L, V9L.
Identifiers: ClinVar variation 1989729 (VCV001989729.5), dbSNP rs146445328, ClinGen allele CA4775972.

ClinVar aggregate classification (germline): Uncertain significance. Review status: criteria provided, multiple submitters, no conflicts (2 of 4 stars). 2 submissions from 2 submitters: Uncertain significance (2). Last evaluated 2025-10-14.

Allele frequency attached by ClinVar (database versions not stated): ESP Exome Variant Server 0.00008.
gnomAD v4.1: 141 of 1,608,196 alleles (0.0088%); highest among the groups gnomAD compares: Non-Finnish European, 0.012%; no homozygotes.

Submissions (2):

Labcorp Genetics (formerly Invitae), Labcorp
Classification: Uncertain significance. Last evaluated: 2025-10-14. Review status: criteria provided, single submitter. Criteria: Invitae Variant Classification Sherloc (09022015). Collection method: clinical testing. Allele origin: germline.
Comment: This sequence change replaces valine, which is neutral and non-polar, with leucine, which is neutral and non-polar, at codon 606 of the SULF1 protein (p.Val606Leu). This variant is present in population databases (rs146445328, gnomAD 0.008%). This variant has not been reported in the literature in individuals affected with SULF1-related conditions. ClinVar contains an entry for this variant (Variation ID: 1989729). An algorithm developed to predict the effect of missense changes on protein structure and function outputs the following: PolyPhen-2: "Benign". The leucine amino acid residue is found in multiple mammalian species, which suggests that this missense change does not adversely affect protein function. In summary, the available evidence is currently insufficient to determine the role of this variant in disease. Therefore, it has been classified as a Variant of Uncertain Significance.

Ambry Genetics
Classification: Uncertain significance. Last evaluated: 2024-03-08. Review status: criteria provided, single submitter. Criteria: Ambry Variant Classification Scheme 2023. Collection method: clinical testing. Allele origin: germline.